The following is an entry in ClinVar:

NM_006521.6(TFE3):c.1021C>G (p.Leu341Val)

Gene: TFE3 (transcription factor binding to IGHM enhancer 3; minus strand). Cytogenetic location: Xp11.23.
Variant type: single nucleotide variant.
Coding change: c.1021C>G on transcript NM_006521.6 (MANE Select); coding-DNA position 1021, C replaced by G.
Protein change: p.Leu341Val; replaces leucine 341 with valine.
Molecular consequence: missense variant.
Genome position (GRCh38, 1-based): chrX:49,033,765, G>C on the plus strand (C>G on the coding strand, the complement: TFE3 is on the minus strand). VCF-style: chrX-49033765-G-C. GRCh37 (hg19) VCF-style: chrX-48891280-G-C.
Other names: c.706C>G, p.Leu236Val (NM_001282142.2); short protein forms L236V, L341V.
Identifiers: ClinVar variation 3765736 (VCV003765736.1).

ClinVar aggregate classification (germline): Uncertain significance (1 of 4 stars; one submission).

gnomAD v4.1: 1 of 1,211,832 alleles (0.000083%); highest among the groups gnomAD compares: Non-Finnish European, 0.00011%; no homozygotes.

Submission:

Greenwood Genetic Center Diagnostic Laboratories, Greenwood Genetic Center
Classification: Uncertain significance. Last evaluated: 2024-10-29. Review status: criteria provided, single submitter. Criteria: ACMG Guidelines, 2015. Collection method: clinical testing. Allele origin: germline. Affected: yes.
Comment: PM2, BP4